The following is an entry in ClinVar:

NM_024529.5(CDC73):c.1022_1025dup (p.Arg342fs)

Gene: CDC73 (cell division cycle 73; plus strand). Cytogenetic location: 1q31.2.
Variant type: Duplication.
Coding change: c.1022_1025dup on transcript NM_024529.5 (MANE Select); coding-DNA positions 1022 to 1025, 4 bases duplicated (CAAG; older notation c.1022_1025dupCAAG).
Protein change: p.Arg342fs; shifts the reading frame from arginine 342.
Molecular consequence: frameshift variant.
Genome position (GRCh38, 1-based): chr1:193,203,844-193,203,847, CAAG duplicated. VCF-style (leftmost placement, unchanged base first): chr1-193203843-C-CCAAG. GRCh37 (hg19) VCF-style: chr1-193172973-C-CCAAG.
Other names: short protein forms R342fs.
Identifiers: ClinVar variation 4774923 (VCV004774923.1).

ClinVar aggregate classification (germline): Pathogenic (1 of 4 stars; one submission).

Conditions:
Parathyroid carcinoma (PRTC). Also called: Parathyroid gland carcinoma; CDC73-Related Parathyroid Carcinoma. Identifiers: Orphanet 143, MedGen C0687150, MONDO:0012004, OMIM 608266, HP:0006780.

Submission:

Labcorp Genetics (formerly Invitae), Labcorp
Classification: Pathogenic for Parathyroid carcinoma. Last evaluated: 2025-12-27. Review status: criteria provided, single submitter. Criteria: Invitae Variant Classification Sherloc (09022015). Collection method: clinical testing. Allele origin: germline.
Comment: This sequence change creates a premature translational stop signal (p.Arg342Serfs*36) in the CDC73 gene. It is expected to result in an absent or disrupted protein product. Loss-of-function variants in CDC73 are known to be pathogenic (PMID: 12434154). This variant is not present in population databases (gnomAD no frequency). This variant has not been reported in the literature in individuals affected with CDC73-related conditions. For these reasons, this variant has been classified as Pathogenic.

Literature cited by the submitters: PubMed 12434154.